The following is an entry in ClinVar:

ClinVar aggregate classification (germline): Benign (1 of 4 stars; one submission).

Allele frequency attached by ClinVar (database versions not stated): gnomAD 0.02357 and 0.02511; TOPMed 0.02625; 1000 Genomes Project 0.02895; 1000 Genomes Project 30x 0.03154.
gnomAD v4.1: 5,315 of 736,498 alleles (0.72%); highest among the groups gnomAD compares: African/African-American, 7.9%; 218 homozygotes.

Submission:

GeneDx
Classification: Benign. Last evaluated: 2018-06-14. Review status: criteria provided, single submitter. Criteria: GeneDx Variant Classification (06012015). Collection method: clinical testing. Allele origin: germline. Affected: yes.
Comment: This variant is considered likely benign or benign based on one or more of the following criteria: it is a conservative change, it occurs at a poorly conserved position in the protein, it is predicted to be benign by multiple in silico algorithms, and/or has population frequency not consistent with disease.

NM_001844.5(COL2A1):c.3490-152A>T

Gene: COL2A1 (collagen type II alpha 1 chain; minus strand). Cytogenetic location: 12q13.11.
Variant type: single nucleotide variant.
Coding change: c.3490-152A>T on transcript NM_001844.5 (MANE Select); 152 bases into the intron before coding-DNA position 3490, A replaced by T.
Molecular consequence: intron variant.
Genome position (GRCh38, 1-based): chr12:47,976,222, T>A on the plus strand (A>T on the coding strand, the complement: COL2A1 is on the minus strand). VCF-style: chr12-47976222-T-A. GRCh37 (hg19) VCF-style: chr12-48370005-T-A.
Other names: c.3283-152A>T (NM_033150.3).
Identifiers: ClinVar variation 679450 (VCV000679450.1), dbSNP rs74088779, ClinGen allele CA236518044.